The following is an entry in ClinVar:

NM_001557.4(CXCR2):c.1075A>T (p.Thr359Ser)

Gene: CXCR2 (C-X-C motif chemokine receptor 2; plus strand). Cytogenetic location: 2q35.
Variant type: single nucleotide variant.
Coding change: c.1075A>T on transcript NM_001557.4 (MANE Select); coding-DNA position 1075, A replaced by T.
Protein change: p.Thr359Ser; replaces threonine 359 with serine.
Molecular consequence: missense variant.
Genome position (GRCh38, 1-based): chr2:218,135,876, A>T. VCF-style: chr2-218135876-A-T. GRCh37 (hg19) VCF-style: chr2-219000599-A-T.
Other names: c.1075A>T, p.Thr359Ser (NM_001168298.2); short protein forms T359S.
Identifiers: ClinVar variation 809155 (VCV000809155.45), dbSNP rs150629039, ClinGen allele CA2101849.

ClinVar aggregate classification (germline): Uncertain significance. Review status: criteria provided, multiple submitters, no conflicts (2 of 4 stars). 3 submissions from 3 submitters: Uncertain significance (3). Last evaluated 2022-10-25.

Allele frequency attached by ClinVar (database versions not stated): gnomAD 0.00007 and 0.00008; gnomAD exomes 0.00010 and 0.00012; TOPMed 0.00010; ExAC 0.00013; ESP Exome Variant Server 0.00023.
gnomAD v4.1: 189 of 1,605,316 alleles (0.012%); highest among the groups gnomAD compares: Middle Eastern, 0.28%; 1 homozygote.

Submissions (3):

Labcorp Genetics (formerly Invitae), Labcorp
Classification: Uncertain significance. Last evaluated: 2022-10-25. Review status: criteria provided, single submitter. Criteria: Invitae Variant Classification Sherloc (09022015). Collection method: clinical testing. Allele origin: germline.
Comment: This sequence change replaces threonine, which is neutral and polar, with serine, which is neutral and polar, at codon 359 of the CXCR2 protein (p.Thr359Ser). This variant is present in population databases (rs150629039, gnomAD 0.02%). This variant has not been reported in the literature in individuals affected with CXCR2-related conditions. ClinVar contains an entry for this variant (Variation ID: 809155). Algorithms developed to predict the effect of missense changes on protein structure and function are either unavailable or do not agree on the potential impact of this missense change (SIFT: "Tolerated"; PolyPhen-2: "Probably Damaging"; Align-GVGD: "Class C0"). In summary, the available evidence is currently insufficient to determine the role of this variant in disease. Therefore, it has been classified as a Variant of Uncertain Significance.

CeGaT Center for Human Genetics Tuebingen
Classification: Uncertain significance. Last evaluated: 2018-07-01. Review status: criteria provided, single submitter. Criteria: CeGaT Center For Human Genetics Tuebingen Variant Classification Criteria Version 2. Collection method: clinical testing. Allele origin: germline. Affected: yes. Observed: 1 variant allele.

Breakthrough Genomics
Classification: Uncertain significance. Review status: criteria provided, single submitter. Criteria: ACMG Guidelines, 2015. Collection method: not provided. Allele origin: germline. Inheritance: Autosomal recessive inheritance. Affected: yes.